The following is an entry in ClinVar:

NM_015158.5(KANK1):c.3995C>T (p.Pro1332Leu)

Gene: KANK1 (KN motif and ankyrin repeat domains 1; plus strand). Cytogenetic location: 9p24.3.
Variant type: single nucleotide variant.
Coding change: c.3995C>T on transcript NM_015158.5 (MANE Select); coding-DNA position 3995, C replaced by T.
Protein change: p.Pro1332Leu; replaces proline 1332 with leucine.
Molecular consequence: missense variant. On other transcripts: non-coding transcript variant (1).
Genome position (GRCh38, 1-based): chr9:744,588, C>T. VCF-style: chr9-744588-C-T. GRCh37 (hg19) VCF-style: chr9-744588-C-T.
Other names: c.3995C>T, p.Pro1332Leu (NM_001256876.3, NM_001256877.3, NM_001354334.2); c.3755C>T, p.Pro1252Leu (NM_001354331.2); c.3941C>T, p.Pro1314Leu (NM_001354332.2); c.3521C>T, p.Pro1174Leu (NM_001354333.2, NM_001354335.2, NM_001354337.2 and 2 more transcripts); c.3227C>T, p.Pro1076Leu (NM_001354336.2); c.3467C>T, p.Pro1156Leu (NM_001354338.2, NM_001354340.2, NM_001354344.2); c.3281C>T, p.Pro1094Leu (NM_001354339.2, NM_001354342.2, NM_001354343.2); c.3995C>T (NM_015158.2); short protein forms P1094L, P1076L, P1332L, P1174L, P1156L, P1252L, P1314L.
Identifiers: ClinVar variation 1477011 (VCV001477011.8), dbSNP rs143775530, ClinGen allele CA4961286.

ClinVar aggregate classification (germline): Uncertain significance. Review status: criteria provided, multiple submitters, no conflicts (2 of 4 stars). 3 submissions from 3 submitters: Uncertain significance (3). Last evaluated 2025-08-26.

Conditions:
Cerebral palsy, spastic quadriplegic, 2 (CPSQ2). Identifiers: Orphanet 210141, MedGen C2752061, MONDO:0013033, OMIM 612900.

Allele frequency attached by ClinVar (database versions not stated): ESP Exome Variant Server 0.00038.
gnomAD v4.1: 801 of 1,614,086 alleles (0.05%); highest among the groups gnomAD compares: Admixed American, 0.063%; no homozygotes.

Submissions (3):

Labcorp Genetics (formerly Invitae), Labcorp
Classification: Uncertain significance. Last evaluated: 2025-08-26. Review status: criteria provided, single submitter. Criteria: Invitae Variant Classification Sherloc (09022015). Collection method: clinical testing. Allele origin: germline.
Comment: This sequence change replaces proline, which is neutral and non-polar, with leucine, which is neutral and non-polar, at codon 1332 of the KANK1 protein (p.Pro1332Leu). This variant is present in population databases (rs143775530, gnomAD 0.05%), and has an allele count higher than expected for a pathogenic variant. This variant has not been reported in the literature in individuals affected with KANK1-related conditions. ClinVar contains an entry for this variant (Variation ID: 1477011). An algorithm developed to predict the effect of missense changes on protein structure and function (PolyPhen-2) suggests that this variant is likely to be disruptive. Algorithms developed to predict the effect of sequence changes on RNA splicing suggest that this variant may disrupt the consensus splice site. In summary, the available evidence is currently insufficient to determine the role of this variant in disease. Therefore, it has been classified as a Variant of Uncertain Significance.

Ambry Genetics
Classification: Uncertain significance. Last evaluated: 2022-07-19. Review status: criteria provided, single submitter. Criteria: Ambry Variant Classification Scheme 2023. Collection method: clinical testing. Allele origin: germline.

Fulgent Genetics
Classification: Uncertain significance for Cerebral palsy, spastic quadriplegic, 2. Last evaluated: 2021-07-02. Review status: criteria provided, single submitter. Criteria: ACMG Guidelines, 2015. Collection method: clinical testing. Allele origin: unknown.